The following is an entry in ClinVar:

ClinVar aggregate classification (germline): Uncertain significance (1 of 4 stars; one submission).

Conditions:
LAMA5-related disorder. Also called: LAMA5-Related Disorders; LAMA5-related condition.

gnomAD v4.1: 80 of 1,501,092 alleles (0.0053%); highest among the groups gnomAD compares: African/African-American, 0.065%; no homozygotes.

Submission:

PreventionGenetics, part of Exact Sciences
Classification: Uncertain significance for LAMA5-related condition. Last evaluated: 2025-08-19. Review status: criteria provided, single submitter. Criteria: ACMG Guidelines, 2015. Collection method: clinical testing. Allele origin: germline.
Comment: The LAMA5 c.6070G>A variant is predicted to result in the amino acid substitution p.Asp2024Asn. To our knowledge, this variant has not been reported in the literature. This variant is reported in 0.098% of alleles in individuals of African descent in gnomAD. At this time, the clinical significance of this variant is uncertain due to the absence of conclusive functional and genetic evidence.

NM_005560.6(LAMA5):c.6070G>A (p.Asp2024Asn)

Gene: LAMA5 (laminin subunit alpha 5; minus strand). Cytogenetic location: 20q13.33.
Variant type: single nucleotide variant.
Coding change: c.6070G>A on transcript NM_005560.6 (MANE Select); coding-DNA position 6070, G replaced by A.
Protein change: p.Asp2024Asn; replaces aspartic acid 2024 with asparagine.
Molecular consequence: missense variant.
Genome position (GRCh38, 1-based): chr20:62,322,753, C>T on the plus strand (G>A on the coding strand, the complement: LAMA5 is on the minus strand). VCF-style: chr20-62322753-C-T. GRCh37 (hg19) VCF-style: chr20-60897809-C-T.
Other names: short protein forms D2024N.
Identifiers: ClinVar variation 4979889 (VCV004979889.1).